The following is an entry in ClinVar:

NM_000276.4(OCRL):c.608C>A (p.Thr203Asn)

Gene: OCRL (OCRL inositol polyphosphate-5-phosphatase; plus strand). Cytogenetic location: Xq26.1.
Variant type: single nucleotide variant.
Coding change: c.608C>A on transcript NM_000276.4 (MANE Select); coding-DNA position 608, C replaced by A.
Protein change: p.Thr203Asn; replaces threonine 203 with asparagine.
Molecular consequence: missense variant.
Genome position (GRCh38, 1-based): chrX:129,558,887, C>A. VCF-style: chrX-129558887-C-A. GRCh37 (hg19) VCF-style: chrX-128692864-C-A.
Other names: c.611C>A, p.Thr204Asn (NM_001318784.2); c.608C>A, p.Thr203Asn (NM_001587.4); short protein forms T203N, T204N.
Identifiers: ClinVar variation 2636227 (VCV002636227.1), dbSNP rs2521878731, ClinGen allele CA414551645.
Genomic context (GRCh38, chrX:129,558,887, plus strand): 5'-ATTTATTTGCTAGGCTTCCACGTGAAAAAGAAGCTTCTAACAAGGAGCAGCCCAAAGTGA[C>A]CAACACCATGCGGAAGCTCTTTGTACCAAATACCCAATCTGGGCAGCGGGAGGGTCTCAT-3'
Protein context (NP_000267.2, residues 193-213): EASNKEQPKV[Thr203Asn]NTMRKLFVPN

ClinVar aggregate classification (germline): Uncertain significance (1 of 4 stars; one submission).

Conditions:
OCRL-related disorder. Also called: OCRL-related condition.

Submission:

PreventionGenetics, part of Exact Sciences
Classification: Uncertain significance for OCRL-related condition. Last evaluated: 2022-08-19. Review status: criteria provided, single submitter. Criteria: ACMG Guidelines, 2015. Collection method: clinical testing. Allele origin: germline.
Comment: The OCRL c.608C>A variant is predicted to result in the amino acid substitution p.Thr203Asn. To our knowledge, this variant has not been reported in the literature or in a large population database, indicating this variant is rare. At this time, the clinical significance of this variant is uncertain due to the absence of conclusive functional and genetic evidence.